The following is an entry in ClinVar:

NM_002691.4(POLD1):c.365_377del (p.Val122fs)

Gene: POLD1 (DNA polymerase delta 1, catalytic subunit; plus strand). Cytogenetic location: 19q13.33.
Variant type: Deletion.
Coding change: c.365_377del on transcript NM_002691.4 (MANE Select); coding-DNA positions 365 to 377, 13 bases deleted (TGCCTGTGCTCCG).
Protein change: p.Val122fs; shifts the reading frame from valine 122.
Molecular consequence: frameshift variant. On other transcripts: non-coding transcript variant (1).
Genome position (GRCh38, 1-based): chr19:50,401,826-50,401,838, TGCCTGTGCTCCG deleted; deleting any 13 consecutive bases within chr19:50,401,820-50,401,838 gives the same sequence; the c. name uses the placement nearest the transcript's 3' end. VCF-style (leftmost placement, unchanged base first): chr19-50401819-GGCTCCGTGCCTGT-G. GRCh37 (hg19) VCF-style: chr19-50905076-GGCTCCGTGCCTGT-G.
Other names: c.365_377del, p.Val122fs (NM_001256849.1, NM_001308632.1, NM_001438210.1 and 3 more transcripts); short protein forms V122fs.
Identifiers: ClinVar variation 4682116 (VCV004682116.1).

ClinVar aggregate classification (germline): Pathogenic (1 of 4 stars; one submission).

Conditions:
Lipodystrophy - childhood onset.

Submission:

Cambridge Genomics Laboratory, East Genomic Laboratory Hub, NHS Genomic Medicine Service
Classification: Pathogenic for Lipodystrophy - childhood onset. Last evaluated: 2024-08-21. Review status: criteria provided, single submitter. Criteria: ACGS Best Practice Guidelines for Variant Classification in Rare Disease 2020. Collection method: clinical testing. Allele origin: germline. Affected: yes.
Comment: PVS1,PM2